The following is an entry in ClinVar:

NM_018122.5(DARS2):c.1366C>T (p.Arg456Ter)

Gene: DARS2 (aspartyl-tRNA synthetase 2, mitochondrial; plus strand). Cytogenetic location: 1q25.1.
Variant type: single nucleotide variant.
Coding change: c.1366C>T on transcript NM_018122.5 (MANE Select); coding-DNA position 1366, C replaced by T.
Protein change: p.Arg456Ter; replaces arginine 456 with a stop codon.
Molecular consequence: nonsense.
Genome position (GRCh38, 1-based): chr1:173,853,370, C>T. VCF-style: chr1-173853370-C-T. GRCh37 (hg19) VCF-style: chr1-173822508-C-T.
Other names: c.1213C>T, p.Arg405Ter (NM_001365212.1); short protein forms R456*, R405*.
Identifiers: ClinVar variation 3013251 (VCV003013251.4), dbSNP rs367892718, ClinGen allele CA1250412.
Genomic context (GRCh38, chr1:173,853,370, plus strand): 5'-TCAAGAAGTTAACTCAATGTTTACGTCTTCTGTTTGCAGTGCTCTTTGTTAGGAAAATTA[C>T]GACTGGAATGTGCTGACCTTCTAGAAACAAGAGGAGTGGTGCTCCGTGACCCCACTCTGT-3'

ClinVar aggregate classification (germline): Pathogenic. Review status: criteria provided, multiple submitters, no conflicts (2 of 4 stars). 2 submissions from 2 submitters: Pathogenic (2). Last evaluated 2026-02-19.

Conditions:
Possible mitochondrial disorder - nuclear genes.

Allele frequency attached by ClinVar (database versions not stated): gnomAD 0.00001; ESP Exome Variant Server 0.00008; ExAC 0.00001; gnomAD exomes 0.00001.

Submissions (2):

Genetics Laboratory, Great Ormond Street Hospital NHS Foundation Trust, North Thames Genomic Laboratory Hub
Classification: Pathogenic for Possible mitochondrial disorder - nuclear genes. Last evaluated: 2026-02-19. Review status: criteria provided, single submitter. Criteria: ACGS Best Practice Guidelines for Variant Classification in Rare Disease 2024 v1.2. Collection method: clinical testing. Allele origin: germline. Affected: yes.
Comment: PM2_moderate, PVS1_very-strong

Labcorp Genetics (formerly Invitae), Labcorp
Classification: Pathogenic. Last evaluated: 2023-06-14. Review status: criteria provided, single submitter. Criteria: Invitae Variant Classification Sherloc (09022015). Collection method: clinical testing. Allele origin: germline.
Comment: This sequence change creates a premature translational stop signal (p.Arg456*) in the DARS2 gene. It is expected to result in an absent or disrupted protein product. Loss-of-function variants in DARS2 are known to be pathogenic (PMID: 17384640, 24566671). This variant is present in population databases (rs367892718, gnomAD 0.003%). This variant has not been reported in the literature in individuals affected with DARS2-related conditions. Algorithms developed to predict the effect of sequence changes on RNA splicing suggest that this variant may disrupt the consensus splice site. For these reasons, this variant has been classified as Pathogenic.

Literature cited by the submitters: PubMed 17384640 (cited by Labcorp Genetics (formerly Invitae), Labcorp); PubMed 24566671 (cited by Labcorp Genetics (formerly Invitae), Labcorp).